The following is an entry in ClinVar:

NM_201384.3(PLEC):c.8436G>A (p.Thr2812=)

Gene: PLEC (plectin; minus strand). Cytogenetic location: 8q24.3.
Variant type: single nucleotide variant.
Coding change: c.8436G>A on transcript NM_201384.3 (MANE Select); coding-DNA position 8436, G replaced by A.
Protein change: p.Thr2812=; no amino-acid change (threonine 2812 retained).
Molecular consequence: synonymous variant.
Genome position (GRCh38, 1-based): chr8:143,921,385, C>T on the plus strand (G>A on the coding strand, the complement: PLEC is on the minus strand). VCF-style: chr8-143921385-C-T. GRCh37 (hg19) VCF-style: chr8-144995553-C-T.
Other names: c.8517G>A, p.Thr2839= (NM_000445.5); c.8394G>A, p.Thr2798= (NM_201378.4); c.8370G>A, p.Thr2790= (NM_201379.3); c.8847G>A, p.Thr2949= (NM_201380.4); c.8340G>A, p.Thr2780= (NM_201381.3); c.8436G>A, p.Thr2812= (NM_201382.4); c.8448G>A, p.Thr2816= (NM_201383.3); c.8517G>A (NM_000445.4).
Identifiers: ClinVar variation 1601950 (VCV001601950.9), dbSNP rs200557943, ClinGen allele CA4925315.

ClinVar aggregate classification (germline): Likely benign. Review status: criteria provided, multiple submitters, no conflicts (2 of 4 stars). 2 submissions from 2 submitters: Likely benign (2). Last evaluated 2026-02-05.

Conditions:
Epidermolysis bullosa simplex 5C, with pyloric atresia (EBS5C). Also called: PLEC-Related Epidermolysis Bullosa with Pyloric Atresia; Epidermolysis bullosa simplex with pyloric atresia; PLEC1-Related Epidermolysis Bullosa with Pyloric Atresia. Identifiers: Orphanet 158684, MedGen C2677349, MONDO:0012807, OMIM 612138.
Autosomal recessive limb-girdle muscular dystrophy type 2Q (LGMDR17). Also called: MUSCULAR DYSTROPHY, LIMB-GIRDLE, AUTOSOMAL RECESSIVE 17. Identifiers: Orphanet 254361, MedGen C3150989, MONDO:0013390, OMIM 613723.
Epidermolysis bullosa simplex 5B, with muscular dystrophy (EBS5B). Also called: EPIDERMOLYSIS BULLOSA SIMPLEX AND LIMB-GIRDLE MUSCULAR DYSTROPHY; Epidermolysis bullosa simplex with muscular dystrophy. Identifiers: Orphanet 257, MedGen C2931072, MONDO:0009181, OMIM 226670.
Epidermolysis bullosa simplex, Ogna type (EBS5A). Also called: Pidermolysis bullosa simplex 5A, Ogna type; EPIDERMOLYSIS BULLOSA SIMPLEX 5A, OGNA TYPE. Identifiers: Orphanet 79401, MedGen C0432317, MONDO:0007555, OMIM 131950.
Epidermolysis bullosa simplex with nail dystrophy (EBS5D). Identifiers: MedGen C4225309, MONDO:0014661, OMIM 616487.
PLEC-related disorder. Also called: PLEC-related disorders; PLEC-related condition.

Allele frequency attached by ClinVar (database versions not stated): ExAC 0.00002.
gnomAD v4.1: 32 of 1,613,212 alleles (0.002%); highest among the groups gnomAD compares: African/African-American, 0.008%; no homozygotes.

Submissions (2):

PreventionGenetics, part of Exact Sciences
Classification: Likely benign for PLEC-related condition. Last evaluated: 2026-02-05. Review status: criteria provided, single submitter. Criteria: ACMG Guidelines, 2015. Collection method: clinical testing. Allele origin: germline.
Comment: This variant is classified as likely benign based on ACMG/AMP sequence variant interpretation guidelines (Richards et al. 2015 PMID: 25741868, with internal and published modifications).

Labcorp Genetics (formerly Invitae), Labcorp
Classification: Likely benign for Autosomal recessive limb-girdle muscular dystrophy type 2Q; Epidermolysis bullosa simplex, Ogna type; Epidermolysis bullosa simplex with nail dystrophy; Epidermolysis bullosa simplex 5C, with pyloric atresia; Epidermolysis bullosa simplex 5B, with muscular dystrophy. Last evaluated: 2025-05-12. Review status: criteria provided, single submitter. Criteria: Invitae Variant Classification Sherloc (09022015). Collection method: clinical testing. Allele origin: germline.